The following is an entry in ClinVar:

ClinVar aggregate classification (germline): Uncertain significance (1 of 4 stars; one submission).

Submission:

CeGaT Center for Human Genetics Tuebingen
Classification: Uncertain significance. Last evaluated: 2023-04-01. Review status: criteria provided, single submitter. Criteria: CeGaT Center For Human Genetics Tuebingen Variant Classification Criteria Version 2. Collection method: clinical testing. Allele origin: germline. Affected: yes. Observed: 2 variant alleles.
Comment: CHRNA4: PM2

NM_000744.7(CHRNA4):c.1728C>A (p.Asp576Glu)

Gene: CHRNA4 (cholinergic receptor nicotinic alpha 4 subunit; minus strand). Cytogenetic location: 20q13.33.
Variant type: single nucleotide variant.
Coding change: c.1728C>A on transcript NM_000744.7 (MANE Select); coding-DNA position 1728, C replaced by A.
Protein change: p.Asp576Glu; replaces aspartic acid 576 with glutamic acid.
Molecular consequence: missense variant. On other transcripts: non-coding transcript variant (1).
Genome position (GRCh38, 1-based): chr20:63,349,683, G>T on the plus strand (C>A on the coding strand, the complement: CHRNA4 is on the minus strand). VCF-style: chr20-63349683-G-T. GRCh37 (hg19) VCF-style: chr20-61981035-G-T.
Other names: c.1200C>A, p.Asp400Glu (NM_001256573.2); short protein forms D400E, D576E.
Identifiers: ClinVar variation 2652525 (VCV002652525.24), dbSNP rs1218265056, ClinGen allele CA409632219.